The following is an entry in ClinVar:

NM_001267550.2(TTN):c.3318C>T (p.Gly1106=)

Gene: TTN (titin; minus strand). Cytogenetic location: 2q31.2.
Variant type: single nucleotide variant.
Coding change: c.3318C>T on transcript NM_001267550.2 (MANE Select); coding-DNA position 3318, C replaced by T.
Protein change: p.Gly1106=; no amino-acid change (glycine 1106 retained).
Molecular consequence: synonymous variant.
Genome position (GRCh38, 1-based): chr2:178,782,274, G>A on the plus strand (C>T on the coding strand, the complement: TTN is on the minus strand). VCF-style: chr2-178782274-G-A. GRCh37 (hg19) VCF-style: chr2-179647001-G-A.
Other names: c.3318C>T, p.Gly1106= (NM_133378.4, NM_001256850.1, NM_133379.5); c.3180C>T, p.Gly1060= (NM_003319.4, NM_133432.3, NM_133437.4).
Identifiers: ClinVar variation 46940 (VCV000046940.27), dbSNP rs141768043, ClinGen allele CA139579.

ClinVar aggregate classification (germline): Conflicting classifications of pathogenicity. Review status: criteria provided, conflicting classifications (1 of 4 stars). 12 submissions from 8 submitters: Uncertain significance (3); Benign (1); Likely benign (8). Last evaluated 2026-04-03.

Conditions:
TTN-related disorder. Also called: TTN-related condition; TTN-related disease; TTN-related disorders.
Cardiovascular phenotype. Identifiers: MedGen CN230736.
Autosomal recessive limb-girdle muscular dystrophy type 2J (LGMDR10). Also called: Limb-girdle muscular dystrophy, type 2J; MUSCULAR DYSTROPHY, LIMB-GIRDLE, AUTOSOMAL RECESSIVE 10. Identifiers: Orphanet 140922, MedGen C1837342, MONDO:0012127, OMIM 608807.
Dilated cardiomyopathy 1G (CMD1G). Identifiers: Orphanet 154, MedGen C1858763, MONDO:0011400, OMIM 604145.
Early-onset myopathy with fatal cardiomyopathy (CMYO5). Also called: Salih Myopathy; CONGENITAL MYOPATHY 5 WITH CARDIOMYOPATHY. Identifiers: Orphanet 289377, MedGen C2673677, MONDO:0012714, OMIM 611705. Disease mechanism: loss of function.
Myopathy, myofibrillar, 9, with early respiratory failure (MFM9). Also called: Hereditary myopathy with early respiratory failure; EDSTROM MYOPATHY; MYOPATHY, PROXIMAL, WITH EARLY RESPIRATORY MUSCLE INVOLVEMENT; Myopathy, distal, with early respiratory failure, autosomal dominant. Identifiers: Orphanet 178464, Orphanet 34521, MedGen C1863599, MONDO:0011362, OMIM 603689.
Tibial muscular dystrophy (TMD). Also called: Tibial muscular dystrophy, tardive; UDD MYOPATHY; Udd Distal Myopathy – Tibial Muscular Dystrophy. Identifiers: Orphanet 609, MedGen C1838244, MONDO:0010870, OMIM 600334.

Allele frequency attached by ClinVar (database versions not stated): gnomAD exomes 0.00004 and 0.00002; ExAC 0.00005; TOPMed 0.00009; gnomAD 0.00013; ESP Exome Variant Server 0.00023.
gnomAD v4.1: 62 of 1,614,032 alleles (0.0038%); highest among the groups gnomAD compares: African/African-American, 0.033%; no homozygotes.

Submissions (12):

Women's Health and Genetics/Laboratory Corporation of America, LabCorp
Classification: Likely benign. Last evaluated: 2026-04-03. Review status: criteria provided, single submitter. Criteria: LabCorp Variant Classification Summary - May 2015. Collection method: clinical testing. Allele origin: germline.

Labcorp Genetics (formerly Invitae), Labcorp
Classification: Likely benign for Dilated cardiomyopathy 1G; Autosomal recessive limb-girdle muscular dystrophy type 2J. Last evaluated: 2026-01-05. Review status: criteria provided, single submitter. Criteria: Invitae Variant Classification Sherloc (09022015). Collection method: clinical testing. Allele origin: germline.

PreventionGenetics, part of Exact Sciences
Classification: Likely benign for TTN-related condition. Last evaluated: 2025-08-27. Review status: criteria provided, single submitter. Criteria: ACMG Guidelines, 2015. Collection method: clinical testing. Allele origin: germline.
Comment: This variant is classified as likely benign based on ACMG/AMP sequence variant interpretation guidelines (Richards et al. 2015 PMID: 25741868, with internal and published modifications).

Blueprint Genetics
Classification: Likely benign. Last evaluated: 2024-11-26. Review status: criteria provided, single submitter. Criteria: ACMG Guidelines, 2015. Collection method: clinical testing. Allele origin: germline.

GeneDx
Classification: Likely benign. Last evaluated: 2021-09-07. Review status: criteria provided, single submitter. Criteria: GeneDx Variant Classification Process June 2021. Collection method: clinical testing. Allele origin: germline. Affected: yes.

Ambry Genetics
Classification: Likely benign for Cardiovascular phenotype. Last evaluated: 2018-11-29. Review status: criteria provided, single submitter. Criteria: Ambry Variant Classification Scheme 2023. Collection method: clinical testing. Allele origin: germline.

Illumina Laboratory Services, Illumina
Classification: Likely benign for Myopathy, myofibrillar, 9, with early respiratory failure. Last evaluated: 2018-01-13. Review status: criteria provided, single submitter. Criteria: ICSL Variant Classification Criteria 13 December 2019. Collection method: clinical testing. Allele origin: germline.
Comment: This variant was observed in the ICSL laboratory as part of a predisposition screen in an ostensibly healthy population. It had not been previously curated by ICSL or reported in the Human Gene Mutation Database (HGMD: prior to June 1st, 2018), and was therefore a candidate for classification through an automated scoring system. Utilizing variant allele frequency, disease prevalence and penetrance estimates, and inheritance mode, an automated score was calculated to assess if this variant is too frequent to cause the disease. Based on the score and internal cut-off values, a variant classified as likely benign is not then subjected to further curation. The score for this variant resulted in a classification of likely benign for this disease.

Illumina Laboratory Services, Illumina
Classification: Uncertain significance for Autosomal recessive limb-girdle muscular dystrophy type 2J. Last evaluated: 2018-01-13. Review status: criteria provided, single submitter. Criteria: ICSL Variant Classification Criteria 13 December 2019. Collection method: clinical testing. Allele origin: germline.

Illumina Laboratory Services, Illumina
Classification: Uncertain significance for Early-onset myopathy with fatal cardiomyopathy. Last evaluated: 2018-01-13. Review status: criteria provided, single submitter. Criteria: ICSL Variant Classification Criteria 13 December 2019. Collection method: clinical testing. Allele origin: germline.

Illumina Laboratory Services, Illumina
Classification: Uncertain significance for Dilated cardiomyopathy 1G. Last evaluated: 2018-01-13. Review status: criteria provided, single submitter. Criteria: ICSL Variant Classification Criteria 13 December 2019. Collection method: clinical testing. Allele origin: germline.

Illumina Laboratory Services, Illumina
Classification: Benign for Tibial muscular dystrophy. Last evaluated: 2018-01-13. Review status: criteria provided, single submitter. Criteria: ICSL Variant Classification Criteria 13 December 2019. Collection method: clinical testing. Allele origin: germline.
Comment: This variant was observed in the ICSL laboratory as part of a predisposition screen in an ostensibly healthy population. It had not been previously curated by ICSL or reported in the Human Gene Mutation Database (HGMD: prior to June 1st, 2018), and was therefore a candidate for classification through an automated scoring system. Utilizing variant allele frequency, disease prevalence and penetrance estimates, and inheritance mode, an automated score was calculated to assess if this variant is too frequent to cause the disease. Based on the score and internal cut-off values, a variant classified as benign is not then subjected to further curation. The score for this variant resulted in a classification of benign for this disease.

Laboratory for Molecular Medicine, Mass General Brigham Personalized Medicine
Classification: Likely benign. Last evaluated: 2012-03-02. Review status: criteria provided, single submitter. Criteria: LMM Criteria. Collection method: clinical testing. Allele origin: germline. Observed: 1 variant allele.
Comment: Gly1106Gly in exon 20 of TTN: This variant is not expected to have clinical sign ificance because it does not alter an amino acid residue and is not located with in the splice consensus region. This variant has been identified in 3/3738 Afric an American chromosomes from a broad population by the NHLBI Exome Sequencing Pr oject (dbSNP rs141768043). Gly1106Gly in exon 20 of TTN (rs141768043; allele frequency = 3/3738) **